The following is an entry in ClinVar:

NM_020975.6(RET):c.2940-26A>C

Gene: RET (ret proto-oncogene; plus strand). Cytogenetic location: 10q11.21.
Variant type: single nucleotide variant.
Coding change: c.2940-26A>C on transcript NM_020975.6 (MANE Select); 26 bases into the intron before coding-DNA position 2940, A replaced by C.
Molecular consequence: intron variant.
Genome position (GRCh38, 1-based): chr10:43,124,857, A>C. VCF-style: chr10-43124857-A-C. GRCh37 (hg19) VCF-style: chr10-43620305-A-C.
Other names: c.2940-26A>C (NM_001406744.1, NM_001406759.1, NM_001406760.1 and 2 more transcripts); c.2805-26A>C (NM_001406765.1, NM_001406763.1); c.2544-26A>C (NM_001406772.1, NM_001406769.1); c.2502-26A>C (NM_001406773.1, NM_001406771.1); c.2043-26A>C (NM_001406782.1, NM_001406780.1, NM_001406779.1 and 1 more transcripts); c.1908-26A>C (NM_001406787.1); c.1923-26A>C (NM_001406785.1); c.2811-26A>C (NM_001406764.1, NM_001406762.1, NM_001406761.1); and 10 more.
Identifiers: ClinVar variation 2576108 (VCV002576108.1), dbSNP rs752405055, ClinGen allele CA041683.
Genomic context (GRCh38, chr10:43,124,857, plus strand): 5'-GGGCAGGGTGCGATGGCTGTGGTGGGCTGTCCTTCTGAGACCTGGCCCTGCTTGGATCAT[A>C]TTGGCCTGTCTGCTCTTCCCACCAGGTACCGCCTGATGCTGCAATGCTGGAAGCAGGAGC-3'

ClinVar aggregate classification (germline): Uncertain significance (1 of 4 stars; one submission).

Allele frequency attached by ClinVar (database versions not stated): ExAC 0.00002; TOPMed 0.00003; gnomAD 0.00004; gnomAD exomes 0.00005.
gnomAD v4.1: 74 of 1,611,222 alleles (0.0046%); highest among the groups gnomAD compares: Non-Finnish European, 0.0063%; no homozygotes.

Submission:

Institute for Clinical Genetics, University Hospital TU Dresden, University Hospital TU Dresden
Classification: Uncertain significance. Last evaluated: 2023-03-29. Review status: criteria provided, single submitter. Criteria: ACMG Guidelines, 2015. Collection method: clinical testing. Allele origin: germline.
Comment: PM2_SUP, BP4